The following is an entry in ClinVar:

ClinVar aggregate classification (germline): Benign/Likely benign. Review status: criteria provided, multiple submitters, no conflicts (2 of 4 stars). 5 submissions from 5 submitters: Benign (3); Likely benign (2). Last evaluated 2025-11-03.

Conditions:
Lissencephaly 9 with complex brainstem malformation. Identifiers: Orphanet 572013, MedGen C5193029, MONDO:0032677, OMIM 618325.
Inborn genetic diseases. Identifiers: MedGen C0950123, MeSH D030342.

Allele frequency attached by ClinVar (database versions not stated): ESP Exome Variant Server 0.00015.
gnomAD v4.1: 607 of 1,613,992 alleles (0.038%); highest among the groups gnomAD compares: Admixed American, 0.0083%; 3 homozygotes.

Submissions (5):

Labcorp Genetics (formerly Invitae), Labcorp
Classification: Benign. Last evaluated: 2025-11-03. Review status: criteria provided, single submitter. Criteria: Invitae Variant Classification Sherloc (09022015). Collection method: clinical testing. Allele origin: germline.

Blueprint Genetics
Classification: Likely benign. Last evaluated: 2024-09-13. Review status: criteria provided, single submitter. Criteria: ACMG Guidelines, 2015. Collection method: clinical testing. Allele origin: germline.

CeGaT Center for Human Genetics Tuebingen
Classification: Likely benign. Last evaluated: 2024-09-01. Review status: criteria provided, single submitter. Criteria: CeGaT Center For Human Genetics Tuebingen Variant Classification Criteria Version 2. Collection method: clinical testing. Allele origin: germline. Affected: yes. Observed: 1 variant allele.
Comment: MACF1: BP4, BS1

Genome-Nilou Lab
Classification: Benign for Lissencephaly 9 with complex brainstem malformation. Last evaluated: 2023-04-11. Review status: criteria provided, single submitter. Criteria: ACMG Guidelines, 2015. Collection method: clinical testing. Allele origin: germline. Affected: no.

Ambry Genetics
Classification: Benign for Inborn genetic diseases. Last evaluated: 2022-10-07. Review status: criteria provided, single submitter. Criteria: Ambry Variant Classification Scheme 2023. Collection method: clinical testing. Allele origin: germline.

NM_001394062.1(MACF1):c.15283G>T (p.Val5095Phe)

Gene: MACF1 (microtubule actin crosslinking factor 1; plus strand). Cytogenetic location: 1p34.3.
Variant type: single nucleotide variant.
Coding change: c.15283G>T on transcript NM_001394062.1 (MANE Select); coding-DNA position 15283, G replaced by T.
Protein change: p.Val5095Phe; replaces valine 5095 with phenylalanine.
Molecular consequence: missense variant.
Genome position (GRCh38, 1-based): chr1:39,388,125, G>T. VCF-style: chr1-39388125-G-T. GRCh37 (hg19) VCF-style: chr1-39853797-G-T.
Other names: c.9097G>T, p.Val3033Phe (NM_012090.5); c.9097G>T (NM_012090.4); short protein forms V5095F, V3033F.
Identifiers: ClinVar variation 2169159 (VCV002169159.21), dbSNP rs141949859, ClinGen allele CA782368.